The following is an entry in ClinVar:

ClinVar aggregate classification (germline): Pathogenic. Review status: criteria provided, multiple submitters, no conflicts (2 of 4 stars). 2 submissions from 2 submitters: Pathogenic (2). Last evaluated 2022-03-22.

Conditions:
Cholestasis, progressive familial intrahepatic, 7, with or without hearing loss. Identifiers: MedGen C5562043, MONDO:0030503, OMIM 619658.
Cholestasis. Identifiers: MedGen C0008370, MONDO:0001751, HP:0001396.

Allele frequency attached by ClinVar (database versions not stated): gnomAD exomes below 0.00001; gnomAD 0.00001; TOPMed 0.00001.

Submissions (2):

3billion
Classification: Pathogenic for Cholestasis, progressive familial intrahepatic, 7, with or without hearing loss. Last evaluated: 2022-03-22. Review status: criteria provided, single submitter. Criteria: ACMG Guidelines, 2015. Collection method: clinical testing. Allele origin: germline. Affected: yes. Observed: 1 heterozygote.
Comment: Stop-gained (nonsense): predicted to result in a loss or disruption of normal protein function through nonsense-mediated decay (NMD) or protein truncation. Multiple pathogenic variants are reported downstream of the variant. This variant has been reported as pathogenic (ClinVar ID: VCV000694481). It is observed at an extremely low frequency in the gnomAD v2.1.1 dataset (total allele frequency:0.0000040). Therefore, this variant is classified as pathogenic according to the recommendation of ACMG/AMP guideline.

The Center for Pediatric Liver Diseases, Children’s Hospital of Fudan University
Classification: Pathogenic for cholestasis. Last evaluated: 2019-10-15. Review status: criteria provided, single submitter. Criteria: ACMG Guidelines, 2015. Collection method: clinical testing. Allele origin: somatic. Affected: yes.

NM_001371395.1(USP53):c.1558C>T (p.Arg520Ter)

Gene: USP53 (ubiquitin specific peptidase 53; plus strand). Cytogenetic location: 4q26.
Variant type: single nucleotide variant.
Coding change: c.1558C>T on transcript NM_001371395.1 (MANE Select); coding-DNA position 1558, C replaced by T.
Protein change: p.Arg520Ter; replaces arginine 520 with a stop codon.
Molecular consequence: nonsense.
Genome position (GRCh38, 1-based): chr4:119,271,418, C>T. VCF-style: chr4-119271418-C-T. GRCh37 (hg19) VCF-style: chr4-120192573-C-T.
Other names: c.1405C>T, p.Arg469Ter (NM_001371396.1, NM_001389661.1); c.1558C>T, p.Arg520Ter (NM_001371397.1, NM_001371398.1, NM_001371399.1 and 3 more transcripts); c.1408C>T, p.Arg470Ter (NM_001389660.1); c.1210C>T, p.Arg404Ter (NM_001389662.1, NM_001389663.1, NM_001389664.1 and 1 more transcripts); c.1057C>T, p.Arg353Ter (NM_001389665.1, NM_001389667.1); short protein forms R469*, R520*, R353*, R404*, R470*.
Identifiers: ClinVar variation 694481 (VCV000694481.2), dbSNP rs1452792080, ClinGen allele CA358036206.